The following is an entry in ClinVar:

NM_000521.4(HEXB):c.860del (p.Pro287fs)

Gene: HEXB (hexosaminidase subunit beta; plus strand). Cytogenetic location: 5q13.3.
Variant type: Deletion.
Coding change: c.860del on transcript NM_000521.4 (MANE Select); coding-DNA position 860, one base deleted (C; older notation c.860delC).
Protein change: p.Pro287fs; shifts the reading frame from proline 287.
Molecular consequence: frameshift variant.
Genome position (GRCh38, 1-based): chr5:74,713,594, C deleted; the last of 2 consecutive C bases (chr5:74,713,593-74,713,594); deleting either gives the same sequence. VCF-style (leftmost placement, unchanged base first): chr5-74713592-GC-G. GRCh37 (hg19) VCF-style: chr5-74009417-GC-G.
Other names: c.185del, p.Pro62fs (NM_001292004.2); short protein forms P287fs, P62fs.
Identifiers: ClinVar variation 1725521 (VCV001725521.2), dbSNP rs2478752617, ClinGen allele CA2580073405.

ClinVar aggregate classification (germline): Likely pathogenic (1 of 4 stars; one submission).

Conditions:
Sandhoff disease. Also called: GM2-GANGLIOSIDOSIS, TYPE II; HEXOSAMINIDASES A AND B DEFICIENCY; Beta-hexosaminidase-beta-subunit deficiency; GM2 gangliosidosis, type 2; Total hexosaminidase deficiency; Sandhoff-Jatzkewitz-Pilz disease. Identifiers: Orphanet 796, MedGen C0036161, MONDO:0010006, OMIM 268800.

Submission:

Myriad Genetics, Inc.
Classification: Likely pathogenic for Sandhoff disease. Last evaluated: 2022-03-29. Review status: criteria provided, single submitter. Criteria: Myriad Women's Health Autosomal Recessive and X-Linked Classification Criteria (2021). Collection method: clinical testing. Allele origin: unknown.
Comment: NM_000521.3(HEXB):c.860delC(P287Qfs*20) is expected to be pathogenic in the context of Sandhoff disease. This variant is predicted to lead to an abnormal or absent protein product due to the creation of a premature termination codon in HEXB, a gene where loss-of-function variants are known to be pathogenic. Please note: this variant was assessed in the context of healthy population screening.